The following is an entry in ClinVar:

ClinVar aggregate classification (germline): Uncertain significance. Review status: criteria provided, multiple submitters, no conflicts (2 of 4 stars). 3 submissions from 3 submitters: Uncertain significance (3). Last evaluated 2025-12-01.

Conditions:
Cardiovascular phenotype. Identifiers: MedGen CN230736.
Atrial septal defect 5 (ASD5). Identifiers: Orphanet 1478, MedGen C2748552, MONDO:0013011, OMIM 612794.
Dilated cardiomyopathy 1R (CMD1R). Identifiers: Orphanet 154, Orphanet 54260, MedGen C3150681, MONDO:0013261, OMIM 613424.
Hypertrophic cardiomyopathy 11. Also called: ACTC1-Related Familial Hypertrophic Cardiomyopathy. Identifiers: MedGen C2677506, MONDO:0012799, OMIM 612098.

Allele frequency attached by ClinVar (database versions not stated): TOPMed below 0.00001; gnomAD 0.00001.

Submissions (3):

Labcorp Genetics (formerly Invitae), Labcorp
Classification: Uncertain significance for Dilated cardiomyopathy 1R; Hypertrophic cardiomyopathy 11; Atrial septal defect 5. Last evaluated: 2025-12-01. Review status: criteria provided, single submitter. Criteria: Invitae Variant Classification Sherloc (09022015). Collection method: clinical testing. Allele origin: germline.
Comment: This sequence change replaces tyrosine, which is neutral and polar, with histidine, which is basic and polar, at codon 296 of the ACTC1 protein (p.Tyr296His). This variant is not present in population databases (gnomAD no frequency). This missense change has been observed in individual(s) with asymptomatic T-wave inversion (PMID: 29764897). ClinVar contains an entry for this variant (Variation ID: 180769). Invitae Evidence Modeling of protein sequence and biophysical properties (such as structural, functional, and spatial information, amino acid conservation, physicochemical variation, residue mobility, and thermodynamic stability) indicates that this missense variant is expected to disrupt ACTC1 protein function with a positive predictive value of 80%. In summary, the available evidence is currently insufficient to determine the role of this variant in disease. Therefore, it has been classified as a Variant of Uncertain Significance.

GeneDx
Classification: Uncertain significance. Last evaluated: 2023-04-27. Review status: criteria provided, single submitter. Criteria: GeneDx Variant Classification Process June 2021. Collection method: clinical testing. Allele origin: germline. Affected: yes.
Comment: Reported in an athlete with T-wave inversion; no other clinical information was provided (Sheikh et al., 2018); Not observed at significant frequency in large population cohorts (gnomAD); In silico analysis supports that this missense variant has a deleterious effect on protein structure/function; This variant is associated with the following publications: (PMID: 29764897)

Ambry Genetics
Classification: Uncertain significance for Cardiovascular phenotype. Last evaluated: 2022-02-17. Review status: criteria provided, single submitter. Criteria: Ambry Variant Classification Scheme 2023. Collection method: clinical testing. Allele origin: germline.
Comment: The p.Y296H variant (also known as c.886T>C), located in coding exon 5 of the ACTC1 gene, results from a T to C substitution at nucleotide position 886. The tyrosine at codon 296 is replaced by histidine, an amino acid with similar properties. This alteration has been reported in an individual with left ventricular non-compaction (LVNC) and segregated in a family with dilated cardiomyopathy (DCM) (Arbustini E et al. J Am Coll Cardiol, 2016 08;68:949-66; Sheikh N et al. Circulation, 2018 09;138:1184-1194). This amino acid position is highly conserved in available vertebrate species. In addition, this alteration is predicted to be deleterious by in silico analysis. Since supporting evidence is limited at this time, the clinical significance of this alteration remains unclear.

Literature cited by the submitters: PubMed 29764897 (cited by Labcorp Genetics (formerly Invitae), Labcorp and Ambry Genetics); PubMed 27561770 (cited by Ambry Genetics).

NM_005159.5(ACTC1):c.886T>C (p.Tyr296His)

Genes: ACTC1 (actin alpha cardiac muscle 1; minus strand), GJD2-DT (GJD2 divergent transcript; plus strand). Cytogenetic location: 15q14.
Variant type: single nucleotide variant.
Coding change: c.886T>C on transcript NM_005159.5 (MANE Select); coding-DNA position 886, T replaced by C.
Protein change: p.Tyr296His; replaces tyrosine 296 with histidine.
Molecular consequence: missense variant.
Genome position (GRCh38, 1-based): chr15:34,791,218, A>G on the plus strand (T>C on the coding strand, the complement: ACTC1 is on the minus strand). VCF-style: chr15-34791218-A-G. GRCh37 (hg19) VCF-style: chr15-35083419-A-G.
Other names: p.Y296H:TAT>CAT; c.886T>C (LRG_388t1); short protein forms Y296H.
Identifiers: ClinVar variation 180769 (VCV000180769.13), dbSNP rs730880402, ClinGen allele CA019977.